The following is an entry in ClinVar:

ClinVar aggregate classification (germline): Uncertain significance (1 of 4 stars; one submission).

Conditions:
TINF2-related disorder. Also called: TINF2-related condition.

Submission:

PreventionGenetics, part of Exact Sciences
Classification: Uncertain significance for TINF2-related condition. Last evaluated: 2026-06-01. Review status: criteria provided, single submitter. Criteria: ACMG Guidelines, 2015. Collection method: clinical testing. Allele origin: germline.
Comment: The TINF2 c.224C>G variant is predicted to result in the amino acid substitution p.Pro75Arg. To our knowledge, this variant has not been reported in the literature or in a large population database (gnomAD), indicating this variant is rare. At this time, the clinical significance of this variant is uncertain due to the absence of conclusive functional and genetic evidence.

NM_001099274.3(TINF2):c.224C>G (p.Pro75Arg)

Gene: TINF2 (TERF1 interacting nuclear factor 2; minus strand). Cytogenetic location: 14q12.
Variant type: single nucleotide variant.
Coding change: c.224C>G on transcript NM_001099274.3 (MANE Select); coding-DNA position 224, C replaced by G.
Protein change: p.Pro75Arg; replaces proline 75 with arginine.
Molecular consequence: missense variant. On other transcripts: intron variant (1).
Genome position (GRCh38, 1-based): chr14:24,241,963, G>C on the plus strand (C>G on the coding strand, the complement: TINF2 is on the minus strand). VCF-style: chr14-24241963-G-C. GRCh37 (hg19) VCF-style: chr14-24711169-G-C.
Other names: c.224C>G, p.Pro75Arg (NM_012461.3); c.192+178C>G (NM_001363668.2); short protein forms P75R.
Identifiers: ClinVar variation 4993908 (VCV004993908.1).